The following is an entry in ClinVar:

ClinVar aggregate classification (germline): Uncertain significance (1 of 4 stars; one submission).

Conditions:
Autosomal recessive early-onset Parkinson disease 6 (PARK6). Also called: PARKINSON DISEASE 6, EARLY-ONSET; PINK1-Related Parkinson Disease; PINK1 Type of Young-Onset Parkinson Disease; PARKINSON DISEASE 6, MODIFIER OF. Identifiers: Orphanet 2828, MedGen C1853833, MONDO:0011613, OMIM 605909.

gnomAD v4.1: 16 of 1,614,180 alleles (0.00099%); highest among the groups gnomAD compares: Admixed American, 0.0033%; no homozygotes.

Submission:

Labcorp Genetics (formerly Invitae), Labcorp
Classification: Uncertain significance for Autosomal recessive early-onset Parkinson disease 6. Last evaluated: 2025-06-24. Review status: criteria provided, single submitter. Criteria: Invitae Variant Classification Sherloc (09022015). Collection method: clinical testing. Allele origin: germline.
Comment: This sequence change replaces threonine, which is neutral and polar, with methionine, which is neutral and non-polar, at codon 566 of the PINK1 protein (p.Thr566Met). This variant is present in population databases (rs777903263, gnomAD 0.003%). This variant has not been reported in the literature in individuals affected with PINK1-related conditions. Invitae Evidence Modeling of protein sequence and biophysical properties (such as structural, functional, and spatial information, amino acid conservation, physicochemical variation, residue mobility, and thermodynamic stability) indicates that this missense variant is not expected to disrupt PINK1 protein function with a negative predictive value of 95%. In summary, the available evidence is currently insufficient to determine the role of this variant in disease. Therefore, it has been classified as a Variant of Uncertain Significance.

NM_032409.3(PINK1):c.1697C>T (p.Thr566Met)

Genes: PINK1 (PTEN induced kinase 1; plus strand), PINK1-AS (PINK1 antisense RNA; minus strand). Cytogenetic location: 1p36.12.
Variant type: single nucleotide variant.
Coding change: c.1697C>T on transcript NM_032409.3 (MANE Select); coding-DNA position 1697, C replaced by T.
Protein change: p.Thr566Met; replaces threonine 566 with methionine.
Molecular consequence: missense variant. On other transcripts: non-coding transcript variant (1).
Genome position (GRCh38, 1-based): chr1:20,650,642, C>T. VCF-style: chr1-20650642-C-T. GRCh37 (hg19) VCF-style: chr1-20977135-C-T.
Other names: short protein forms T566M.
Identifiers: ClinVar variation 4737353 (VCV004737353.1).
Genomic context (GRCh38, chr1:20,650,642, plus strand): 5'-AGAAGTGTTGTGTGGAAACAAAAATGAAGATGCTCTTTCTGGCTAACCTGGAGTGTGAAA[C>T]GCTCTGCCAGGCAGCCCTCCTCCTCTGCTCATGGAGGGCAGCCCTGTGATGTCCCTGCAT-3'
Protein context (NP_115785.1, residues 556-576): MLFLANLECE[Thr566Met]LCQAALLLCS